The following is an entry in ClinVar:

NM_000143.4(FH):c.233A>G (p.Asn78Ser)

Gene: FH (fumarate hydratase; minus strand). Cytogenetic location: 1q43.
Variant type: single nucleotide variant.
Coding change: c.233A>G on transcript NM_000143.4 (MANE Select); coding-DNA position 233, A replaced by G.
Protein change: p.Asn78Ser; replaces asparagine 78 with serine.
Molecular consequence: missense variant.
Genome position (GRCh38, 1-based): chr1:241,517,216, T>C on the plus strand (A>G on the coding strand, the complement: FH is on the minus strand). VCF-style: chr1-241517216-T-C. GRCh37 (hg19) VCF-style: chr1-241680516-T-C.
Other names: short protein forms N78S.
Identifiers: ClinVar variation 2716621 (VCV002716621.4), dbSNP rs2527340205, ClinGen allele CA345441730.
Genomic context (GRCh38, chr1:241,517,216, plus strand): 5'-CCAACATTTCCACAAATGCCACTTACTGGCATGCGTTCTGTCACACCTCCAATCTTAAAG[T>C]TCATCGTAGATCTCACGGTCTGGGCGCCATAATACTTATCATTTGGCACCTTTAGTTCAC-3'
Protein context (NP_000134.2, residues 68-88): YGAQTVRSTM[Asn78Ser]FKIGGVTERM

ClinVar aggregate classification (germline): Uncertain significance. Review status: criteria provided, multiple submitters, no conflicts (2 of 4 stars). 2 submissions from 2 submitters: Uncertain significance (2). Last evaluated 2025-10-08.

Conditions:
Hereditary cancer-predisposing syndrome. Also called: Neoplastic Syndromes, Hereditary; Tumor predisposition; Hereditary neoplastic syndrome; Hereditary Cancer Syndrome. Identifiers: Orphanet 140162, MedGen C0027672, MeSH D009386, MONDO:0015356.

Submissions (2):

Labcorp Genetics (formerly Invitae), Labcorp
Classification: Uncertain significance. Last evaluated: 2025-10-08. Review status: criteria provided, single submitter. Criteria: Invitae Variant Classification Sherloc (09022015). Collection method: clinical testing. Allele origin: germline.
Comment: This sequence change replaces asparagine, which is neutral and polar, with serine, which is neutral and polar, at codon 78 of the FH protein (p.Asn78Ser). This variant is not present in population databases (gnomAD no frequency). This variant has not been reported in the literature in individuals affected with FH-related conditions. ClinVar contains an entry for this variant (Variation ID: 2716621). Invitae Evidence Modeling of protein sequence and biophysical properties (such as structural, functional, and spatial information, amino acid conservation, physicochemical variation, residue mobility, and thermodynamic stability) indicates that this missense variant is expected to disrupt FH protein function with a positive predictive value of 95%. In summary, the available evidence is currently insufficient to determine the role of this variant in disease. Therefore, it has been classified as a Variant of Uncertain Significance.

Ambry Genetics
Classification: Uncertain significance for Hereditary cancer-predisposing syndrome. Last evaluated: 2023-12-05. Review status: criteria provided, single submitter. Criteria: Ambry Variant Classification Scheme 2023. Collection method: clinical testing. Allele origin: germline.
Comment: The p.N78S variant (also known as c.233A>G), located in coding exon 2 of the FH gene, results from an A to G substitution at nucleotide position 233. The asparagine at codon 78 is replaced by serine, an amino acid with highly similar properties. This amino acid position is conserved. In addition, this alteration is predicted to be deleterious by in silico analysis. Since supporting evidence is limited at this time, the clinical significance of this alteration remains unclear.